The following is an entry in ClinVar:

NM_003072.5(SMARCA4):c.2086G>T (p.Asp696Tyr)

Gene: SMARCA4 (SWI/SNF related BAF chromatin remodeling complex subunit ATPase 4; plus strand). Cytogenetic location: 19p13.2.
Variant type: single nucleotide variant.
Coding change: c.2086G>T on transcript NM_003072.5 (MANE Select); coding-DNA position 2086, G replaced by T.
Protein change: p.Asp696Tyr; replaces aspartic acid 696 with tyrosine.
Molecular consequence: missense variant. On other transcripts: non-coding transcript variant (1).
Genome position (GRCh38, 1-based): chr19:11,007,986, G>T. VCF-style: chr19-11007986-G-T. GRCh37 (hg19) VCF-style: chr19-11118662-G-T.
Other names: c.2086G>T, p.Asp696Tyr (NM_001128844.3, NM_001128845.2, NM_001128846.2 and 6 more transcripts); short protein forms D696Y.
Identifiers: ClinVar variation 5018167 (VCV005018167.1).
Genomic context (GRCh38, chr19:11,007,986, plus strand): 5'-GCAGCACAGCCTCCCACCCTGCCCGTGGAGGAGAAGAAGAAGATTCCAGATCCAGACAGC[G>T]ATGACGTCTCTGAGGTGGACGCGCGGCACATCATTGAGTAAGGGGTCCCGACACAGGTTG-3'
Protein context (NP_003063.2, residues 686-706): EKKKIPDPDS[Asp696Tyr]DVSEVDARHI

ClinVar aggregate classification (germline): Uncertain significance (1 of 4 stars; one submission).

Submission:

GeneDx
Classification: Uncertain significance. Last evaluated: 2026-04-02. Review status: criteria provided, single submitter. Criteria: GeneDx Variant Classification Process June 2021. Collection method: clinical testing. Allele origin: germline.
Comment: Not observed at significant frequency in large population cohorts (gnomAD); In silico analysis suggests that this missense variant does not alter protein structure/function; Has not been previously published as pathogenic or benign to our knowledge